The following is an entry in ClinVar:

ClinVar aggregate classification (germline): Uncertain significance (1 of 4 stars; one submission).

Allele frequency attached by ClinVar (database versions not stated): gnomAD exomes below 0.00001.
gnomAD v4.1: 2 of 1,613,836 alleles (0.00012%); highest among the groups gnomAD compares: Non-Finnish European, 0.00017%; no homozygotes.

Submission:

Labcorp Genetics (formerly Invitae), Labcorp
Classification: Uncertain significance. Last evaluated: 2023-03-08. Review status: criteria provided, single submitter. Criteria: Invitae Variant Classification Sherloc (09022015). Collection method: clinical testing. Allele origin: germline.
Comment: This sequence change replaces methionine, which is neutral and non-polar, with leucine, which is neutral and non-polar, at codon 78 of the RRAS2 protein (p.Met78Leu). This variant is present in population databases (no rsID available, gnomAD 0.0009%). This variant has not been reported in the literature in individuals affected with RRAS2-related conditions. ClinVar contains an entry for this variant (Variation ID: 1946238). An algorithm developed to predict the effect of missense changes on protein structure and function (PolyPhen-2) suggests that this variant is likely to be disruptive. In summary, the available evidence is currently insufficient to determine the role of this variant in disease. Therefore, it has been classified as a Variant of Uncertain Significance.

NM_012250.6(RRAS2):c.232A>T (p.Met78Leu)

Gene: RRAS2 (RAS related 2; minus strand). Cytogenetic location: 11p15.2.
Variant type: single nucleotide variant.
Coding change: c.232A>T on transcript NM_012250.6 (MANE Select); coding-DNA position 232, A replaced by T.
Protein change: p.Met78Leu; replaces methionine 78 with leucine.
Molecular consequence: missense variant.
Genome position (GRCh38, 1-based): chr11:14,294,827, T>A on the plus strand (A>T on the coding strand, the complement: RRAS2 is on the minus strand). VCF-style: chr11-14294827-T-A. GRCh37 (hg19) VCF-style: chr11-14316373-T-A.
Other names: c.1A>T, p.Met1Leu (NM_001102669.3, NM_001177315.2); c.127A>T, p.Met43Leu (NM_001177314.2); short protein forms M43L, M78L, M1L.
Identifiers: ClinVar variation 1946238 (VCV001946238.6), dbSNP rs1554946344, ClinGen allele CA379860571.
Genomic context (GRCh38, chr11:14,294,827, plus strand): 5'-TATCTGTGACTGAAAAGACCAACAGGAAGCCTTCGCCAGTCCTCATATACTGTTCTCTCA[T>A]GGCTCCAAACTCTTCTTGTCCTGCTGTATCCAAAACTAAAGAAAAAACAACAAATGTAAT-3'
Protein context (NP_036382.2, residues 68-88): DTAGQEEFGA[Met78Leu]REQYMRTGEG